The following is an entry in ClinVar:

NM_144773.4(PROKR2):c.661A>C (p.Lys221Gln)

Gene: PROKR2 (prokineticin receptor 2; minus strand). Cytogenetic location: 20p12.3.
Variant type: single nucleotide variant.
Coding change: c.661A>C on transcript NM_144773.4 (MANE Select); coding-DNA position 661, A replaced by C.
Protein change: p.Lys221Gln; replaces lysine 221 with glutamine.
Molecular consequence: missense variant.
Genome position (GRCh38, 1-based): chr20:5,302,534, T>G on the plus strand (A>C on the coding strand, the complement: PROKR2 is on the minus strand). VCF-style: chr20-5302534-T-G. GRCh37 (hg19) VCF-style: chr20-5283180-T-G.
Other names: short protein forms K221Q.
Identifiers: ClinVar variation 2987661 (VCV002987661.3), dbSNP rs2515228823, ClinGen allele CA408167206.

ClinVar aggregate classification (germline): Uncertain significance (1 of 4 stars; one submission).

Allele frequency attached by ClinVar (database versions not stated): gnomAD exomes below 0.00001.
gnomAD v4.1: 1 of 1,614,180 alleles (0.000062%); highest among the groups gnomAD compares: Non-Finnish European, 0.000085%; no homozygotes.

Submission:

Labcorp Genetics (formerly Invitae), Labcorp
Classification: Uncertain significance. Last evaluated: 2023-04-02. Review status: criteria provided, single submitter. Criteria: Invitae Variant Classification Sherloc (09022015). Collection method: clinical testing. Allele origin: germline.
Comment: In summary, the available evidence is currently insufficient to determine the role of this variant in disease. Therefore, it has been classified as a Variant of Uncertain Significance. Advanced modeling of protein sequence and biophysical properties (such as structural, functional, and spatial information, amino acid conservation, physicochemical variation, residue mobility, and thermodynamic stability) performed at Invitae indicates that this missense variant is not expected to disrupt PROKR2 protein function. This variant has not been reported in the literature in individuals affected with PROKR2-related conditions. This variant is not present in population databases (gnomAD no frequency). This sequence change replaces lysine, which is basic and polar, with glutamine, which is neutral and polar, at codon 221 of the PROKR2 protein (p.Lys221Gln).